The following is an entry in ClinVar:

NM_014363.6(SACS):c.6434T>A (p.Leu2145Ter)

Gene: SACS (sacsin molecular chaperone; minus strand). Cytogenetic location: 13q12.12.
Variant type: single nucleotide variant.
Coding change: c.6434T>A on transcript NM_014363.6 (MANE Select); coding-DNA position 6434, T replaced by A.
Protein change: p.Leu2145Ter; replaces leucine 2145 with a stop codon.
Molecular consequence: nonsense.
Genome position (GRCh38, 1-based): chr13:23,337,442, A>T on the plus strand (T>A on the coding strand, the complement: SACS is on the minus strand). VCF-style: chr13-23337442-A-T. GRCh37 (hg19) VCF-style: chr13-23911581-A-T.
Other names: c.5993T>A, p.Leu1998Ter (NM_001278055.2); short protein forms L1998*, L2145*.
Identifiers: ClinVar variation 689782 (VCV000689782.12), dbSNP rs770490672, ClinGen allele CA6911083.

ClinVar aggregate classification (germline): Pathogenic. Review status: criteria provided, multiple submitters, no conflicts (2 of 4 stars). 3 submissions from 3 submitters: Pathogenic (3). Last evaluated 2023-11-11.

Conditions:
Charlevoix-Saguenay spastic ataxia (SACS). Also called: SPASTIC ATAXIA 6, AUTOSOMAL RECESSIVE; AUTOSOMAL RECESSIVE SPASTIC ATAXIA OF CHARLEVOIX-SAGUENAY; Spastic ataxia of Charlevoix-Saguenay. Identifiers: Orphanet 98, MedGen C1849140, MONDO:0010041, OMIM 270550.
Spastic paraplegia. Identifiers: MedGen C0037772, HP:0001258.

Allele frequency attached by ClinVar (database versions not stated): gnomAD exomes below 0.00001; ExAC 0.00002.

Submissions (4):

Labcorp Genetics (formerly Invitae), Labcorp
Classification: Pathogenic for Spastic paraplegia. Last evaluated: 2023-11-11. Review status: criteria provided, single submitter. Criteria: Invitae Variant Classification Sherloc (09022015). Collection method: clinical testing. Allele origin: germline.
Comment: This sequence change creates a premature translational stop signal (p.Leu2145*) in the SACS gene. While this is not anticipated to result in nonsense mediated decay, it is expected to disrupt the last 2435 amino acid(s) of the SACS protein. This variant is present in population databases (rs770490672, gnomAD 0.0009%). This variant has not been reported in the literature in individuals affected with SACS-related conditions. ClinVar contains an entry for this variant (Variation ID: 689782). This variant disrupts a region of the SACS protein in which other variant(s) (p.Arg3903*) have been determined to be pathogenic (PMID: 19892370, 21745802). This suggests that this is a clinically significant region of the protein, and that variants that disrupt it are likely to be disease-causing. For these reasons, this variant has been classified as Pathogenic.

Genome-Nilou Lab
Classification: Pathogenic for Charlevoix-Saguenay spastic ataxia. Last evaluated: 2021-09-05. Review status: criteria provided, single submitter. Criteria: ACMG Guidelines, 2015. Collection method: clinical testing. Allele origin: germline. Affected: no.

Baylor Genetics
Classification: Pathogenic for Charlevoix-Saguenay spastic ataxia. Last evaluated: 2017-12-31. Review status: criteria provided, single submitter. Criteria: ACMG Guidelines, 2015. Collection method: clinical testing. Allele origin: germline. Affected: yes.

Dr. Peter K. Rogan Lab, Western University
No classification provided (evidence only). Condition: Ovarian serous cystadenocarcinoma. Review status: no classification provided. Collection method: in vitro. Allele origin: not applicable. Functional consequence: retained intron. Not counted in ClinVar's aggregate classification.

Literature cited by the submitters: PubMed 19892370 (cited by Labcorp Genetics (formerly Invitae), Labcorp); PubMed 21745802 (cited by Labcorp Genetics (formerly Invitae), Labcorp).